The following is an entry in ClinVar:

NM_182972.3(IRF2BP2):c.1760C>G (p.Ser587Trp)

Gene: IRF2BP2 (interferon regulatory factor 2 binding protein 2; minus strand). Cytogenetic location: 1q42.3.
Variant type: single nucleotide variant.
Coding change: c.1760C>G on transcript NM_182972.3 (MANE Select); coding-DNA position 1760, C replaced by G.
Protein change: p.Ser587Trp; replaces serine 587 with tryptophan.
Molecular consequence: missense variant.
Genome position (GRCh38, 1-based): chr1:234,607,141, G>C on the plus strand (C>G on the coding strand, the complement: IRF2BP2 is on the minus strand). VCF-style: chr1-234607141-G-C. GRCh37 (hg19) VCF-style: chr1-234742887-G-C.
Other names: c.1712C>G, p.Ser571Trp (NM_001077397.1); short protein forms S571W, S587W.
Identifiers: ClinVar variation 3613636 (VCV003613636.2).

ClinVar aggregate classification (germline): Uncertain significance (1 of 4 stars; one submission).

Submission:

Labcorp Genetics (formerly Invitae), Labcorp
Classification: Uncertain significance. Last evaluated: 2024-09-01. Review status: criteria provided, single submitter. Criteria: Invitae Variant Classification Sherloc (09022015). Collection method: clinical testing. Allele origin: germline.
Comment: This sequence change replaces serine, which is neutral and polar, with tryptophan, which is neutral and slightly polar, at codon 587 of the IRF2BP2 protein (p.Ser587Trp). This variant is not present in population databases (gnomAD no frequency). This variant has not been reported in the literature in individuals affected with IRF2BP2-related conditions. An algorithm developed to predict the effect of missense changes on protein structure and function (PolyPhen-2) suggests that this variant is likely to be disruptive. In summary, the available evidence is currently insufficient to determine the role of this variant in disease. Therefore, it has been classified as a Variant of Uncertain Significance.